The following is an entry in ClinVar:

ClinVar aggregate classification (germline): Uncertain significance (1 of 4 stars; one submission).

Submission:

GeneDx
Classification: Uncertain significance. Last evaluated: 2023-08-10. Review status: criteria provided, single submitter. Criteria: GeneDx Variant Classification Process June 2021. Collection method: clinical testing. Allele origin: germline. Affected: yes.
Comment: Not observed at significant frequency in large population cohorts (gnomAD); In silico analysis supports that this missense variant has a deleterious effect on protein structure/function; Has not been previously published as pathogenic or benign to our knowledge

NM_001283009.2(RTEL1):c.1207G>C (p.Asp403His)

Genes: RTEL1 (regulator of telomere elongation helicase 1; plus strand), RTEL1-TNFRSF6B (RTEL1-TNFRSF6B readthrough (NMD candidate); plus strand). Cytogenetic location: 20q13.33.
Variant type: single nucleotide variant.
Coding change: c.1207G>C on transcript NM_001283009.2 (MANE Select); coding-DNA position 1207, G replaced by C.
Protein change: p.Asp403His; replaces aspartic acid 403 with histidine.
Molecular consequence: missense variant. On other transcripts: non-coding transcript variant (1).
Genome position (GRCh38, 1-based): chr20:63,685,538, G>C. VCF-style: chr20-63685538-G-C. GRCh37 (hg19) VCF-style: chr20-62316891-G-C.
Other names: c.538G>C, p.Asp180His (NM_001283010.1); c.1207G>C, p.Asp403His (NM_016434.4); c.1279G>C, p.Asp427His (NM_032957.5); short protein forms D180H, D403H, D427H.
Identifiers: ClinVar variation 3361870 (VCV003361870.1).